The following is an entry in ClinVar:

ClinVar aggregate classification (germline): Pathogenic/Likely pathogenic. Review status: criteria provided, multiple submitters, no conflicts (2 of 4 stars). 18 submissions from 18 submitters: Pathogenic (9); Likely pathogenic (5). 4 of the submissions do not count toward it. Last evaluated 2025-02-27.

Conditions:
TRIO-related disorder. Also called: TRIO-related disorders; TRIO-related condition.
Intellectual developmental disorder, autosomal dominant 44, with microcephaly. Also called: Micrognathia-recurrent infections-behavioral abnormalities-mild intellectual disability syndrome; TRIO-Related Intellectual Disability. Identifiers: Orphanet 476126, MedGen C4310740, MONDO:0014892, OMIM 617061.
Intellectual developmental disorder, autosomal dominant 63, with macrocephaly. Also called: MENTAL RETARDATION, AUTOSOMAL DOMINANT 63, WITH MACROCEPHALY. Identifiers: MedGen C5394205, MONDO:0032939, OMIM 618825.
Intellectual disability. Also called: intellectual disabilities; Intellectual functioning disability; Intellectual developmental disorder. Identifiers: MedGen C3714756, MeSH D008607, MONDO:0001071, HP:0001249.
Inborn genetic diseases. Identifiers: MedGen C0950123, MeSH D030342.
Autosomal recessive nonsyndromic hearing loss 28. Identifiers: Orphanet 90636, MedGen C1853276, MONDO:0012355, OMIM 609823.

Submissions (18):

GeneDx
Classification: Pathogenic. Last evaluated: 2025-02-27. Review status: criteria provided, single submitter. Criteria: GeneDx Variant Classification Process June 2021. Collection method: clinical testing. Allele origin: germline. Affected: yes.
Comment: Published functional studies demonstrate a damaging effect by altering overall protein folding and/or signaling (PMID: 32109419); Not observed at significant frequency in large population cohorts (gnomAD); In silico analysis supports that this missense variant has a deleterious effect on protein structure/function; This variant is associated with the following publications: (PMID: 33619735, 32109419, 33568469, 31130284, 35174982, 36717740, 35322241, 36987741, 33057194, 35982159)

Blueprint Genetics
Classification: Pathogenic for TRIO-related disorders. Last evaluated: 2024-09-06. Review status: criteria provided, single submitter. Criteria: ACMG Guidelines, 2015. Collection method: clinical testing. Allele origin: germline. Affected: yes. Observed: 1 variant allele.

3billion
Classification: Pathogenic for Intellectual developmental disorder, autosomal dominant 63, with macrocephaly. Last evaluated: 2024-03-13. Review status: criteria provided, single submitter. Criteria: ACMG Guidelines, 2015. Collection method: clinical testing. Allele origin: germline. Affected: yes.
Comment: The variant is not observed in the gnomAD v2.1.1 dataset. Predicted Consequence/Location: Missense variant Functional studies provide strong evidence of the variant having a damaging effect on the gene or gene product (PMID: 32109419, 32109419). Same nucleotide change resulting in same amino acid change has been previously reported as pathogenic/likely pathogenic with strong evidence (ClinVar ID: VCV000449111 /PMID: 32109419 /3billion dataset). The variant has been previously reported as de novo in a similarly affected individual (PMID: 32109419, 32109419). Different missense changes at the same codon (p.Arg1078Gln, p.Arg1078Gly) have been reported as pathogenic/likely pathogenic with strong evidence (ClinVar ID: VCV000830226, VCV000830227 /PMID: 32109419). Therefore, this variant is classified as Pathogenic according to the recommendation of ACMG/AMP guideline.

Labcorp Genetics (formerly Invitae), Labcorp
Classification: Pathogenic. Last evaluated: 2023-12-01. Review status: criteria provided, single submitter. Criteria: Invitae Variant Classification Sherloc (09022015). Collection method: clinical testing. Allele origin: germline.
Comment: This sequence change replaces arginine, which is basic and polar, with tryptophan, which is neutral and slightly polar, at codon 1078 of the TRIO protein (p.Arg1078Trp). This variant is not present in population databases (gnomAD no frequency). This missense change has been observed in individual(s) with a neurodevelopmental disorder (PMID: 32109419). In at least one individual the variant was observed to be de novo. ClinVar contains an entry for this variant (Variation ID: 449111). Advanced modeling of protein sequence and biophysical properties (such as structural, functional, and spatial information, amino acid conservation, physicochemical variation, residue mobility, and thermodynamic stability) performed at Invitae indicates that this missense variant is expected to disrupt TRIO protein function with a positive predictive value of 80%. Experimental studies have shown that this missense change affects TRIO function (PMID: 32109419). For these reasons, this variant has been classified as Pathogenic.

Laboratorio de Genetica e Diagnostico Molecular, Hospital Israelita Albert Einstein
Classification: Likely pathogenic for Intellectual developmental disorder, autosomal dominant 44, with microcephaly. Last evaluated: 2022-12-02. Review status: criteria provided, single submitter. Criteria: ACMG Guidelines, 2015. Collection method: clinical testing. Allele origin: germline. Affected: yes. Observed: 1 variant allele.
Comment: ACMG classification criteria: PS3 supporting, PS4 moderated, PM2 moderated, PM6 moderated, PP2 supporting

Department of Genetics, Rouen University Hospital, Normandy Center for Genomic and Personalized Medicine
Classification: Pathogenic for Intellectual developmental disorder, autosomal dominant 44, with microcephaly. Last evaluated: 2021-12-17. Review status: criteria provided, single submitter. Criteria: ACMG Guidelines, 2015. Collection method: clinical testing. Allele origin: de novo. Affected: yes.

Institute of Human Genetics, University of Leipzig Medical Center
Classification: Pathogenic for Intellectual developmental disorder, autosomal dominant 44, with microcephaly. Last evaluated: 2020-09-23. Review status: criteria provided, single submitter. Criteria: ACMG Guidelines, 2015. Collection method: clinical testing. Allele origin: de novo. Affected: yes.
Comment: This variant was identified as de novo (maternity and paternity confirmed).

SIB Swiss Institute of Bioinformatics
Classification: Pathogenic for Intellectual developmental disorder, autosomal dominant 63, with macrocephaly. Last evaluated: 2020-09-10. Review status: criteria provided, single submitter. Criteria: ACMG Guidelines, 2015. Collection method: curation. Allele origin: unknown.
Comment: This variant is interpreted as pathogenic for Intellectual developmental disorder, autosomal dominant 63, with macrocephaly. The following ACMG Tag(s) were applied: Absent from controls (or at extremely low frequency if recessive) in Exome Sequencing Project, 1000 Genomes Project, or Exome Aggregation Consortium (PM2); De novo (paternity and maternity confirmed) (PS2 upgraded to very strong); Missense variant in a gene that has a low rate of benign missense variation and in which missense variants are a common mechanism of disease (PP2); Multiple lines of computational evidence support a deleterious effect on the gene or gene product (PP3); Located in a mutational hot spot and/or critical and well-established functional domain (e.g., active site of an enzyme) without benign variation (PM1); Well-established functional studies show a deleterious effect (PS3 downgraded to moderate).

Institute of Human Genetics Munich, TUM University Hospital
Classification: Likely pathogenic for Intellectual developmental disorder, autosomal dominant 44, with microcephaly. Last evaluated: 2019-06-21. Review status: criteria provided, single submitter. Criteria: Classification criteria August 2017. Collection method: clinical testing. Allele origin: de novo. Inheritance: Autosomal dominant inheritance. Affected: yes. Observed: 1 heterozygote.

Cytogénomique, Hospices Civils de Lyon
Classification: Likely pathogenic for Autosomal recessive nonsyndromic hearing loss 28. Last evaluated: 2017-11-03. Review status: criteria provided, single submitter. Criteria: ACMG Guidelines, 2015. Collection method: clinical testing. Allele origin: de novo. Inheritance: Autosomal dominant inheritance. Affected: yes.

Ambry Genetics
Classification: Likely pathogenic for Inborn genetic diseases. Last evaluated: 2016-10-14. Review status: criteria provided, single submitter. Criteria: Ambry exome assertion method (8-5-2015). Collection method: clinical testing. Allele origin: germline. Affected: yes. Observed: 2 variant alleles.

Clinical Genetics Service, Universitary Hospital 12 de Octubre
Classification: Pathogenic for Intellectual developmental disorder, autosomal dominant 44, with microcephaly. Review status: criteria provided, single submitter. Criteria: ACMG Guidelines, 2015. Collection method: clinical testing. Allele origin: de novo. Affected: yes.

Juno Genomics, Hangzhou Juno Genomics, Inc
Classification: Pathogenic for Intellectual developmental disorder, autosomal dominant 44, with microcephaly; Intellectual developmental disorder, autosomal dominant 63, with macrocephaly. Review status: criteria provided, single submitter. Criteria: ACMG Guidelines, 2015. Collection method: clinical testing. Allele origin: germline. Affected: yes.
Comment: Absent from controls (or at extremely low frequency if recessive) in Genome Aggregation Database, Exome Sequencing Project, 1000 Genomes Project, or Exome Aggregation Consortium.;Missense variant in a gene that has a low rate of benign missense variation and where missense variants are a common mechanism of disease.;The prevalence of the variant in affected individuals is significantly increased compared to the prevalence in controls.;De novo (both maternity and paternity confirmed) in a patient with the disease and no family history.;Patient's phenotype or family history is highly specific for a disease with a single genetic etiology.;Novel missense change at an amino acid residue where a different missense change determined to be pathogenic has been seen before.

Laboratoire de Génétique Moléculaire, CHU Bordeaux
Classification: Likely pathogenic. Review status: criteria provided, single submitter. Criteria: ACMG Guidelines, 2015. Collection method: clinical testing. Allele origin: germline. Affected: yes.

OMIM
Classification: Pathogenic for INTELLECTUAL DEVELOPMENTAL DISORDER, AUTOSOMAL DOMINANT 63, WITH MACROCEPHALY. Last evaluated: 2020-03-31. Review status: no assertion criteria provided. Collection method: literature only. Allele origin: germline. Not counted in ClinVar's aggregate classification.

Diagnostic Laboratory, Department of Genetics, University Medical Center Groningen
Classification: Likely pathogenic. Review status: no assertion criteria provided. Collection method: clinical testing. Allele origin: germline. Affected: yes. Study: VKGL Data-share Consensus. Not counted in ClinVar's aggregate classification.

Joint Genome Diagnostic Labs from Nijmegen and Maastricht, Radboudumc and MUMC+
Classification: Likely pathogenic. Review status: no assertion criteria provided. Collection method: clinical testing. Allele origin: germline. Affected: yes. Study: VKGL Data-share Consensus. Not counted in ClinVar's aggregate classification.

Diagnostic Laboratory, Strasbourg University Hospital
Classification: Uncertain significance for Intellectual disability. Last evaluated: 2020-09-10. Review status: flagged submission. Criteria: ACMG Guidelines, 2015. Collection method: clinical testing. Allele origin: de novo. Affected: yes. Observed: 1 heterozygote. Not counted in ClinVar's aggregate classification.
ClinVar note: Reason: Older and outlier claim with insufficient supporting evidence

Literature cited by the submitters: PubMed 32109419 (cited by 4 submitters).

NM_007118.4(TRIO):c.3232C>T (p.Arg1078Trp)

Gene: TRIO (trio Rho guanine nucleotide exchange factor; plus strand). Cytogenetic location: 5p15.2.
Variant type: single nucleotide variant.
Coding change: c.3232C>T on transcript NM_007118.4 (MANE Select); coding-DNA position 3232, C replaced by T.
Protein change: p.Arg1078Trp; replaces arginine 1078 with tryptophan.
Molecular consequence: missense variant. On other transcripts: non-coding transcript variant (1).
Genome position (GRCh38, 1-based): chr5:14,374,244, C>T. VCF-style: chr5-14374244-C-T. GRCh37 (hg19) VCF-style: chr5-14374353-C-T.
Other names: short protein forms R1078W.
Identifiers: ClinVar variation 449111 (VCV000449111.38), dbSNP rs1554065887, ClinGen allele CA359218465.
Genomic context (GRCh38, chr5:14,374,244, plus strand): 5'-TGTAGAAGTCAAATTAGCAACACATTGCTCTCCATTGTTTTTTAGGCTTGCACCCTTGCT[C>T]GGAGGAATGCAGACGTCTTCCTGAAATACCTGCACAGGAACAGCGTGAACATGCCAGGAA-3'
Protein context (NP_009049.2, residues 1068-1088): EAFLKACTLA[Arg1078Trp]RNADVFLKYL